The following is an entry in ClinVar:

ClinVar aggregate classification (germline): Pathogenic (1 of 4 stars; one submission).

Conditions:
Walker-Warburg congenital muscular dystrophy. Also called: Muscular dystrophy-dystroglycanopathy, type A; Walker-Warburg syndrome. Identifiers: Orphanet 899, MedGen C0265221, MONDO:0000171.
Muscular dystrophy-dystroglycanopathy (congenital with impaired intellectual development), type B, 1. Also called: MUSCULAR DYSTROPHY, CONGENITAL, POMT1-RELATED; Muscular dystrophy-dystroglycanopathy (congenital with intellectual disability), type B1. Identifiers: MedGen C5436962, MONDO:0013159, OMIM 613155.
Autosomal recessive limb-girdle muscular dystrophy type 2K. Also called: MUSCULAR DYSTROPHY-DYSTROGLYCANOPATHY (LIMB-GIRDLE), TYPE C, 1; MUSCULAR DYSTROPHY, LIMB-GIRDLE, TYPE 2K. Identifiers: Orphanet 86812, MedGen C1836373, MONDO:0012248, OMIM 609308.

Submission:

Labcorp Genetics (formerly Invitae), Labcorp
Classification: Pathogenic for Muscular dystrophy-dystroglycanopathy (congenital with impaired intellectual development), type B, 1; Walker-Warburg congenital muscular dystrophy; Autosomal recessive limb-girdle muscular dystrophy type 2K. Last evaluated: 2023-09-05. Review status: criteria provided, single submitter. Criteria: Invitae Variant Classification Sherloc (09022015). Collection method: clinical testing. Allele origin: germline.
Comment: This sequence change creates a premature translational stop signal (p.Gln402Cysfs*7) in the POMT1 gene. It is expected to result in an absent or disrupted protein product. Loss-of-function variants in POMT1 are known to be pathogenic (PMID: 12369018, 15637732, 16575835). This variant is not present in population databases (gnomAD no frequency). This variant has not been reported in the literature in individuals affected with POMT1-related conditions. For these reasons, this variant has been classified as Pathogenic.

Literature cited by the submitters: PubMed 12369018; PubMed 15637732; PubMed 16575835.

NM_001077365.2(POMT1):c.1136_1137dup (p.Gln380fs)

Gene: POMT1 (protein O-mannosyltransferase 1; plus strand). Cytogenetic location: 9q34.13.
Variant type: Duplication.
Coding change: c.1136_1137dup on transcript NM_001077365.2 (MANE Select); coding-DNA positions 1136 to 1137, 2 bases duplicated (TG; older notation c.1136_1137dupTG).
Protein change: p.Gln380fs; shifts the reading frame from glutamine 380.
Molecular consequence: frameshift variant. On other transcripts: non-coding transcript variant (10), intron variant (1).
Genome position (GRCh38, 1-based): chr9:131,513,292-131,513,293, TG duplicated; duplicating any 2 consecutive bases within chr9:131,513,291-131,513,293 gives the same sequence; the c. name uses the placement nearest the transcript's 3' end. VCF-style (leftmost placement, unchanged base first): chr9-131513290-G-GGT. GRCh37 (hg19) VCF-style: chr9-134388677-G-GGT.
Other names: c.824+1825_824+1826dup (NM_001374693.1); c.974_975dup, p.Gln326fs (NM_001077366.2, NM_001353194.2); c.1136_1137dup, p.Gln380fs (NM_001136113.2, NM_001374690.1); c.785_786dup, p.Gln263fs (NM_001136114.2, NM_001374691.1, NM_001374692.1 and 1 more transcripts); c.1202_1203dup, p.Gln402fs (NM_001353193.2, NM_007171.4); c.746_747dup, p.Gln250fs (NM_001374695.1); c.5_6dup, p.Gln3fs (NM_001411024.1); c.1046_1047dup, p.Gln350fs (NM_001353196.2); and 4 more; short protein forms Q326fs, Q228fs, Q263fs, Q285fs, Q350fs, Q376fs, Q380fs, Q402fs.
Identifiers: ClinVar variation 2951641 (VCV002951641.3), dbSNP rs2539220743, ClinGen allele CA2740092887.